The following is an entry in ClinVar:

NM_000257.4(MYH7):c.3556_3557insC (p.Glu1186fs)

Gene: MYH7 (myosin heavy chain 7; minus strand). Cytogenetic location: 14q11.2.
Variant type: Insertion.
Coding change: c.3556_3557insC on transcript NM_000257.4 (MANE Select); coding-DNA positions 3556 to 3557, C inserted.
Protein change: p.Glu1186fs; shifts the reading frame from glutamic acid 1186.
Molecular consequence: frameshift variant.
Genome position: GRCh38 VCF-style: chr14-23420014-T-TG. GRCh37 (hg19) VCF-style: chr14-23889223-T-TG.
Other names: c.3556_3557insC, p.Glu1186fs (NM_001407004.1); short protein forms E1186fs.
Identifiers: ClinVar variation 2773915 (VCV002773915.2), dbSNP rs2502264394, ClinGen allele CA2697553864.
Genomic context (GRCh38, chr14:23,420,014, plus strand): 5'-TGCTCGCCCAGCTCGGCCACGCTGTCGGCGTGCTTCTTGCGCAGGGCCGCGGCAGTGGCC[T>TG]CGTGCTGCAGCGTGGCCTCCTCCAGGTCCCGCCGCATCTTCTGGAACTCGGCCTCGCGCT-3'

ClinVar aggregate classification (germline): Uncertain significance (1 of 4 stars; one submission).

Conditions:
Cardiomyopathy (CMYO). Also called: Cardiomyopathies. Identifiers: Orphanet 167848, MedGen C0878544, MONDO:0004994, HP:0001638. Inheritance: Various modes of inheritance.

Submission:

Color Diagnostics, LLC DBA Color Health
Classification: Uncertain significance for Cardiomyopathy. Last evaluated: 2023-03-28. Review status: criteria provided, single submitter. Criteria: ACMG Guidelines, 2015. Collection method: clinical testing. Allele origin: germline.
Comment: This variant inserts 1 nucleotide in exon 27 of the MYH7 gene, creating a frameshift and premature translation stop signal. This variant is expected to result in an absent or non-functional protein product. To our knowledge, this variant has not been reported in individuals affected with MYH7-related disorders in the literature. This variant has not been identified in the general population by the Genome Aggregation Database (gnomAD). The role of MYH7 truncation variants in autosomal dominant cardiomyopathy is not clearly understood. The available evidence is insufficient to determine the role of this variant in disease conclusively. Therefore, this variant is classified as a Variant of Uncertain Significance.